The following is an entry in ClinVar:

NC_000007.13:g.(?_150307047)_(152613597_?)del

Genes: ABCB8 (ATP binding cassette subfamily B member 8; plus strand), ABCF2 (ATP binding cassette subfamily F member 2; minus strand), ACTR3B (actin related protein 3B; plus strand), AGAP3 (ArfGAP with GTPase domain, ankyrin repeat and PH domain 3; plus strand), AOC1 (amine oxidase copper containing 1; plus strand) and 28 more. Cytogenetic location: 7q36.1-36.2.
Variant type: Deletion.
Identifiers: ClinVar variation 2427458 (VCV002427458.3).

ClinVar aggregate classification (germline): Pathogenic (1 of 4 stars; one submission).

Submission:

Labcorp Genetics (formerly Invitae), Labcorp
Classification: Pathogenic. Last evaluated: 2022-06-29. Review status: criteria provided, single submitter. Criteria: Invitae Variant Classification Sherloc (09022015). Collection method: clinical testing. Allele origin: germline.
Comment: A gross deletion of the genomic region encompassing the full coding sequence of the KMT2C gene has been identified. Loss-of-function variants in KMT2C are known to be pathogenic (PMID: 29069077). The boundaries of this event are unknown as they extend beyond the assayed region for this gene and therefore may encompass additional genes. This variant has not been reported in the literature in individuals affected with KMT2C-related conditions. For these reasons, this variant has been classified as Pathogenic.

Literature cited by the submitters: PubMed 29069077.